The following is an entry in ClinVar:

NM_001039706.3(CFAP69):c.136A>G (p.Met46Val)

Gene: CFAP69 (cilia and flagella associated protein 69; plus strand). Cytogenetic location: 7q21.13.
Variant type: single nucleotide variant.
Coding change: c.136A>G on transcript NM_001039706.3 (MANE Select); coding-DNA position 136, A replaced by G.
Protein change: p.Met46Val; replaces methionine 46 with valine.
Molecular consequence: missense variant.
Genome position (GRCh38, 1-based): chr7:90,255,438, A>G. VCF-style: chr7-90255438-A-G. GRCh37 (hg19) VCF-style: chr7-89884752-A-G.
Other names: c.136A>G, p.Met46Val (NM_001160138.2, NM_001363438.1); short protein forms M46V.
Identifiers: ClinVar variation 3044692 (VCV003044692.2), dbSNP rs150000646, ClinGen allele CA4333182.
Genomic context (GRCh38, chr7:90,255,438, plus strand): 5'-GATATAGAAGATGATCTAGAATAGTAAGAGTTGTATGTTTTTTAGGATGTTTTCAAGCCT[A>G]TGGACCTTAATCGTGTCATCAAACTCCTCGAAGAGACTGATAAAGTGAGTAAGCTTTGAG-3'
Protein context (NP_001034795.2, residues 36-56): DDEAQDVFKP[Met46Val]DLNRVIKLLE

ClinVar aggregate classification (germline): Likely benign (0 of 4 stars; one submission).

Conditions:
CFAP69-related disorder. Also called: CFAP69-related condition.

Allele frequency attached by ClinVar (database versions not stated): 1000 Genomes Project 0.00080; 1000 Genomes Project 30x 0.00094; ExAC 0.00171; gnomAD 0.00230; TOPMed 0.00246; ESP Exome Variant Server 0.00263; gnomAD exomes 0.00311.
gnomAD v4.1: 4,856 of 1,612,780 alleles (0.3%); highest among the groups gnomAD compares: Non-Finnish European, 0.37%; 8 homozygotes.

Submission:

PreventionGenetics, part of Exact Sciences
Classification: Likely benign for CFAP69-related condition. Last evaluated: 2023-01-11. Review status: no assertion criteria provided. Collection method: clinical testing. Allele origin: germline.
Comment: This variant is classified as likely benign based on ACMG/AMP sequence variant interpretation guidelines (Richards et al. 2015 PMID: 25741868, with internal and published modifications).